The following is an entry in ClinVar:

NM_014915.3(ANKRD26):c.3866A>T (p.Asp1289Val)

Gene: ANKRD26 (ankyrin repeat domain containing 26; minus strand). Cytogenetic location: 10p12.1.
Variant type: single nucleotide variant.
Coding change: c.3866A>T on transcript NM_014915.3 (MANE Select); coding-DNA position 3866, A replaced by T.
Protein change: p.Asp1289Val; replaces aspartic acid 1289 with valine.
Molecular consequence: missense variant.
Genome position (GRCh38, 1-based): chr10:27,029,298, T>A on the plus strand (A>T on the coding strand, the complement: ANKRD26 is on the minus strand). VCF-style: chr10-27029298-T-A. GRCh37 (hg19) VCF-style: chr10-27318227-T-A.
Other names: c.3863A>T, p.Asp1288Val (NM_001256053.2); short protein forms D1288V, D1289V.
Identifiers: ClinVar variation 4103007 (VCV004103007.1).
Genomic context (GRCh38, chr10:27,029,298, plus strand): 5'-TTGCTCTATAAATAATCATGTTTTTCTGTGTGCTGCTTTAAATTTTACTTTTGCTTGTGA[T>A]CTTGCATCTTCTCAGCACATCTGACAGCTTCTGTATGTCGATCCTGTGCTTCTTGCAACT-3'
Protein context (NP_055730.2, residues 1279-1299): EAVRCAEKMQ[Asp1289Val]HKQKLEKDNA

ClinVar aggregate classification (germline): Uncertain significance (1 of 4 stars; one submission).

Conditions:
Inborn genetic diseases. Identifiers: MedGen C0950123, MeSH D030342.

Submission:

Ambry Genetics
Classification: Uncertain significance for Inborn genetic diseases. Last evaluated: 2025-06-25. Review status: criteria provided, single submitter. Criteria: Ambry Variant Classification Scheme 2023. Collection method: clinical testing. Allele origin: germline.
Comment: The p.D1289V variant (also known as c.3866A>T), located in coding exon 26 of the ANKRD26 gene, results from an A to T substitution at nucleotide position 3866. The aspartic acid at codon 1289 is replaced by valine, an amino acid with highly dissimilar properties. This amino acid position is conserved. In addition, this alteration is predicted to be tolerated by in silico analysis. Based on the available evidence, the clinical significance of this variant remains unclear.